The following is an entry in ClinVar:

NM_017802.4(DNAAF5):c.35C>A (p.Ala12Asp)

Genes: DNAAF5 (dynein axonemal assembly factor 5; plus strand), PRKAR1B (protein kinase cAMP-dependent type I regulatory subunit beta; minus strand). Cytogenetic location: 7p22.3.
Variant type: single nucleotide variant.
Coding change: c.35C>A on transcript NM_017802.4 (MANE Select); coding-DNA position 35, C replaced by A.
Protein change: p.Ala12Asp; replaces alanine 12 with aspartic acid.
Molecular consequence: missense variant. On other transcripts: non-coding transcript variant (1), intron variant (3).
Genome position (GRCh38, 1-based): chr7:726,755, C>A. VCF-style: chr7-726755-C-A. GRCh37 (hg19) VCF-style: chr7-766392-C-A.
Other names: c.-23+900G>T (NM_001164759.1); c.-23+835G>T (NM_001164758.2); c.-23+455G>T (NM_001164760.2); short protein forms A12D.
Identifiers: ClinVar variation 1720619 (VCV001720619.6), dbSNP rs1781308664, ClinGen allele CA366529615.

ClinVar aggregate classification (germline): Uncertain significance (1 of 4 stars; one submission).

Conditions:
Primary ciliary dyskinesia. Also called: Ciliary dyskinesia. Identifiers: Orphanet 244, MedGen C0008780, MONDO:0016575, HP:0012265.

gnomAD v4.1: 1 of 1,255,084 alleles (0.00008%); highest among the groups gnomAD compares: South Asian, 0.0032%; no homozygotes.

Submission:

Labcorp Genetics (formerly Invitae), Labcorp
Classification: Uncertain significance for Primary ciliary dyskinesia. Last evaluated: 2023-03-26. Review status: criteria provided, single submitter. Criteria: Invitae Variant Classification Sherloc (09022015). Collection method: clinical testing. Allele origin: germline.
Comment: In summary, the available evidence is currently insufficient to determine the role of this variant in disease. Therefore, it has been classified as a Variant of Uncertain Significance. Experimental studies and prediction algorithms are not available or were not evaluated, and the functional significance of this variant is currently unknown. ClinVar contains an entry for this variant (Variation ID: 1720619). This variant has not been reported in the literature in individuals affected with DNAAF5-related conditions. This variant is not present in population databases (gnomAD no frequency). This sequence change replaces alanine, which is neutral and non-polar, with aspartic acid, which is acidic and polar, at codon 12 of the DNAAF5 protein (p.Ala12Asp).